The following is an entry in ClinVar:

ClinVar aggregate classification (germline): Pathogenic/Likely pathogenic. Review status: criteria provided, multiple submitters, no conflicts (2 of 4 stars). 4 submissions from 4 submitters: Pathogenic (1); Likely pathogenic (3). Last evaluated 2025-11-16.

Conditions:
Autosomal dominant Alport syndrome (ATS3A). Also called: Alport syndrome dominant type; Renal failure and sensorineural hearing loss; ALPORT SYNDROME 3A, AUTOSOMAL DOMINANT. Identifiers: Orphanet 63, Orphanet 88918, MedGen C5882663, MONDO:0007086, OMIM 104200.
Hematuria, benign familial, 2 (BFH2). Identifiers: MedGen C5830421, MONDO:0958186, OMIM 620320.
Alport syndrome 3b, autosomal recessive. Identifiers: MedGen C5882699, MONDO:0957811, OMIM 620536.
Alport syndrome. Also called: Hemorrhagic familial nephritis; Hemorrhagic hereditary nephritis; Congenital hereditary hematuria. Identifiers: Orphanet 63, MedGen C1567741, MONDO:0018965.

Allele frequency attached by ClinVar (database versions not stated): gnomAD exomes below 0.00001 and 0.00001.

Submissions (4):

Natera, Inc.
Classification: Pathogenic for Alport syndrome. Last evaluated: 2025-11-16. Review status: criteria provided, single submitter. Criteria: Natera Variant Classification Schema (03/2026). Collection method: clinical testing. Allele origin: germline.
Comment: The c.4755+1G>A variant in COL4A3 is a canonical splice donor site variant predicted to affect pre-mRNA splicing, which may result in an abnormal transcript and altered protein product. This variant is expected to result in nonsense mediated decay, truncation, or a dysfunctional protein product. This variant is rare in the general population with a frequency below the threshold expected for the associated phenotype(s). This variant has been observed in one or more individuals affected with the associated recessive disease, as either homozygous or compound heterozygous with a second variant (PMID: 33772369). Given the available evidence, this variant is classified as Pathogenic.

Myriad Genetics, Inc.
Classification: Likely pathogenic for Alport syndrome. Last evaluated: 2025-02-28. Review status: criteria provided, single submitter. Criteria: Myriad Autosomal Dominant, Autosomal Recessive and X-Linked Classification Criteria (2023). Collection method: clinical testing. Allele origin: unknown.
Comment: NM_000091.4(COL4A3):c.4755+1G>A is a variant in a canonical splice site classified as likely pathogenic in the context of Alport syndrome, COL4A3-related. c.4755+1G>A has not been observed in cases with relevant disease. Relevant functional assessments of this variant are not available in the literature. c.4755+1G>A has been observed in referenced population frequency databases. In summary, NM_000091.4(COL4A3):c.4755+1G>A is a variant in a canonical splice site in a gene where loss of function is a known mechanism of disease and is predicted to disrupt protein function. Please note: this variant was assessed in the context of healthy population screening.

Labcorp Genetics (formerly Invitae), Labcorp
Classification: Likely pathogenic. Last evaluated: 2024-12-10. Review status: criteria provided, single submitter. Criteria: Invitae Variant Classification Sherloc (09022015). Collection method: clinical testing. Allele origin: germline.
Comment: This sequence change affects a donor splice site in intron 50 of the COL4A3 gene. It is expected to disrupt RNA splicing. Variants that disrupt the donor or acceptor splice site typically lead to a loss of protein function (PMID: 16199547), and loss-of-function variants in COL4A3 are known to be pathogenic (PMID: 8956999, 24854265, 26809805, 27281700). This variant is present in population databases (no rsID available, gnomAD 0.01%). Disruption of this splice site has been observed in individual(s) with autosomal recessive Alport syndrome (PMID: 33772369). ClinVar contains an entry for this variant (Variation ID: 1520952). Algorithms developed to predict the effect of sequence changes on RNA splicing suggest that this variant may disrupt the consensus splice site. In summary, the currently available evidence indicates that the variant is pathogenic, but additional data are needed to prove that conclusively. Therefore, this variant has been classified as Likely Pathogenic.

Fulgent Genetics
Classification: Likely pathogenic for Autosomal dominant Alport syndrome; Hematuria, benign familial, 2; Alport syndrome 3b, autosomal recessive. Last evaluated: 2024-03-19. Review status: criteria provided, single submitter. Criteria: ACMG Guidelines, 2015. Collection method: clinical testing. Allele origin: germline.

Literature cited by the submitters: PubMed 33772369 (cited by Natera, Inc. and Labcorp Genetics (formerly Invitae), Labcorp); PubMed 16199547 (cited by Labcorp Genetics (formerly Invitae), Labcorp); PubMed 8956999 (cited by Labcorp Genetics (formerly Invitae), Labcorp); PubMed 24854265 (cited by Labcorp Genetics (formerly Invitae), Labcorp); PubMed 26809805 (cited by Labcorp Genetics (formerly Invitae), Labcorp); PubMed 27281700 (cited by Labcorp Genetics (formerly Invitae), Labcorp).

NM_000091.5(COL4A3):c.4755+1G>A

Genes: COL4A3 (collagen type IV alpha 3 chain; plus strand), MFF-DT (MFF divergent transcript; minus strand). Cytogenetic location: 2q36.3.
Variant type: single nucleotide variant.
Coding change: c.4755+1G>A on transcript NM_000091.5 (MANE Select); the canonical splice donor site of the intron after coding-DNA position 4755, G replaced by A.
Molecular consequence: splice donor variant.
Genome position (GRCh38, 1-based): chr2:227,309,319, G>A. VCF-style: chr2-227309319-G-A. GRCh37 (hg19) VCF-style: chr2-228174035-G-A.
Other names: c.4755+1G>A (NM_000091.4).
Identifiers: ClinVar variation 1520952 (VCV001520952.10), dbSNP rs1346132592, ClinGen allele CA350865873.